The following is an entry in ClinVar:

NM_001283009.2(RTEL1):c.2046G>A (p.Trp682Ter)

Genes: RTEL1 (regulator of telomere elongation helicase 1; plus strand), RTEL1-TNFRSF6B (RTEL1-TNFRSF6B readthrough (NMD candidate); plus strand). Cytogenetic location: 20q13.33.
Variant type: single nucleotide variant.
Coding change: c.2046G>A on transcript NM_001283009.2 (MANE Select); coding-DNA position 2046, G replaced by A.
Protein change: p.Trp682Ter; replaces tryptophan 682 with a stop codon.
Molecular consequence: nonsense. On other transcripts: non-coding transcript variant (1).
Genome position (GRCh38, 1-based): chr20:63,689,770, G>A. VCF-style: chr20-63689770-G-A. GRCh37 (hg19) VCF-style: chr20-62321123-G-A.
Other names: c.1377G>A, p.Trp459Ter (NM_001283010.1); c.2046G>A, p.Trp682Ter (NM_016434.4); c.2118G>A, p.Trp706Ter (NM_032957.5); short protein forms W682*, W459*, W706*.
Identifiers: ClinVar variation 2946795 (VCV002946795.3), dbSNP rs2517134750, ClinGen allele CA409679034.

ClinVar aggregate classification (germline): Pathogenic (1 of 4 stars; one submission).

Conditions:
Pulmonary fibrosis and/or bone marrow failure, Telomere-related, 3. Also called: PULMONARY FIBROSIS AND/OR BONE MARROW FAILURE SYNDROME, TELOMERE-RELATED, 3. Identifiers: Orphanet 2032, MedGen C4225346, MONDO:0014613, OMIM 616373.
Dyskeratosis congenita, autosomal recessive 5 (DKCB5). Identifiers: MedGen C3554656, MONDO:0014076, OMIM 615190.

Submission:

Labcorp Genetics (formerly Invitae), Labcorp
Classification: Pathogenic for Dyskeratosis congenita, autosomal recessive 5; Pulmonary fibrosis and/or bone marrow failure, Telomere-related, 3. Last evaluated: 2023-11-24. Review status: criteria provided, single submitter. Criteria: Invitae Variant Classification Sherloc (09022015). Collection method: clinical testing. Allele origin: germline.
Comment: This sequence change creates a premature translational stop signal (p.Trp682*) in the RTEL1 gene. It is expected to result in an absent or disrupted protein product. Loss-of-function variants in RTEL1 are known to be pathogenic (PMID: 23453664, 23959892, 25607374). This variant is not present in population databases (gnomAD no frequency). This variant has not been reported in the literature in individuals affected with RTEL1-related conditions. For these reasons, this variant has been classified as Pathogenic.

Literature cited by the submitters: PubMed 23453664; PubMed 23959892; PubMed 25607374.